The following is an entry in ClinVar:

ClinVar aggregate classification (germline): Likely benign (1 of 4 stars; one submission).

gnomAD v4.1: 176 of 1,593,574 alleles (0.011%); highest among the groups gnomAD compares: East Asian, 0.32%; no homozygotes.

Submission:

CeGaT Center for Human Genetics Tuebingen
Classification: Likely benign. Last evaluated: 2026-08-01. Review status: criteria provided, single submitter. Criteria: CeGaT Center For Human Genetics Tuebingen Variant Classification Criteria Version 2. Collection method: clinical testing. Allele origin: germline. Affected: yes. Observed: 1 variant allele.
Comment: SFXN4: BP4, BP7

NM_213649.2(SFXN4):c.39G>A (p.Arg13=)

Genes: SFXN4 (sideroflexin 4; minus strand), LOC130004825 (ATAC-STARR-seq lymphoblastoid silent region 2869; plus strand). Cytogenetic location: 10q26.11.
Variant type: single nucleotide variant.
Coding change: c.39G>A on transcript NM_213649.2 (MANE Select); coding-DNA position 39, G replaced by A.
Protein change: p.Arg13=; no amino-acid change (arginine 13 retained).
Molecular consequence: synonymous variant. On other transcripts: non-coding transcript variant (1).
Genome position (GRCh38, 1-based): chr10:119,165,609, C>T on the plus strand (G>A on the coding strand, the complement: SFXN4 is on the minus strand). VCF-style: chr10-119165609-C-T. GRCh37 (hg19) VCF-style: chr10-120925121-C-T.
Identifiers: ClinVar variation 5039255 (VCV005039255.1).